The following is an entry in ClinVar:

ClinVar aggregate classification (germline): Likely benign. Review status: criteria provided, multiple submitters, no conflicts (2 of 4 stars). 2 submissions from 2 submitters: Likely benign (2). Last evaluated 2023-09-05.

Allele frequency attached by ClinVar (database versions not stated): gnomAD exomes 0.00003 and 0.00004; gnomAD 0.00005; TOPMed 0.00006.
gnomAD v4.1: 56 of 1,550,866 alleles (0.0036%); highest among the groups gnomAD compares: Middle Eastern, 0.017%; no homozygotes.

Submissions (2):

Labcorp Genetics (formerly Invitae), Labcorp
Classification: Likely benign. Last evaluated: 2023-09-05. Review status: criteria provided, single submitter. Criteria: Invitae Variant Classification Sherloc (09022015). Collection method: clinical testing. Allele origin: germline.

GeneDx
Classification: Likely benign. Last evaluated: 2018-01-16. Review status: criteria provided, single submitter. Criteria: GeneDx Variant Classification (06012015). Collection method: clinical testing. Allele origin: germline. Affected: yes.
Comment: This variant is considered likely benign or benign based on one or more of the following criteria: it is a conservative change, it occurs at a poorly conserved position in the protein, it is predicted to be benign by multiple in silico algorithms, and/or has population frequency not consistent with disease.

NM_001292063.2(OTOG):c.8577C>T (p.Ser2859=)

Gene: OTOG (otogelin; plus strand). Cytogenetic location: 11p15.1.
Variant type: single nucleotide variant.
Coding change: c.8577C>T on transcript NM_001292063.2 (MANE Select); coding-DNA position 8577, C replaced by T.
Protein change: p.Ser2859=; no amino-acid change (serine 2859 retained).
Molecular consequence: synonymous variant.
Genome position (GRCh38, 1-based): chr11:17,645,779, C>T. VCF-style: chr11-17645779-C-T. GRCh37 (hg19) VCF-style: chr11-17667326-C-T.
Other names: c.8613C>T, p.Ser2871= (NM_001277269.2).
Identifiers: ClinVar variation 514689 (VCV000514689.4), dbSNP rs931856983, ClinGen allele CA218458537.